The following is an entry in ClinVar:

ClinVar aggregate classification (germline): Likely benign (0 of 4 stars; one submission).

Conditions:
BAZ2B-related disorder. Also called: BAZ2B-related condition.

Submission:

PreventionGenetics, part of Exact Sciences
Classification: Likely benign for BAZ2B-related condition. Last evaluated: 2019-10-28. Review status: no assertion criteria provided. Collection method: clinical testing. Allele origin: germline.
Comment: This variant is classified as likely benign based on ACMG/AMP sequence variant interpretation guidelines (Richards et al. 2015 PMID: 25741868, with internal and published modifications).

NM_013450.4(BAZ2B):c.816AGA[5] (p.Glu275_Asp276insGlu)

Gene: BAZ2B (bromodomain adjacent to zinc finger domain 2B; minus strand). Cytogenetic location: 2q24.2.
Variant type: Microsatellite.
Coding change: c.816AGA[5] on transcript NM_013450.4 (MANE Select); five copies in a row of the 3-base unit AGA starting at c.816; the reference has four copies in a row; one copy, 3 bases duplicated.
Protein change: p.Glu275_Asp276insGlu.
Genome position (GRCh38, 1-based): chr2:159,439,082-159,439,084, TCT duplicated on the plus strand (AGA on the coding strand, the reverse complement: BAZ2B is on the minus strand); duplicating any 3 consecutive bases within chr2:159,439,082-159,439,095 gives the same sequence; the position shown is the placement nearest the transcript's 3' end. VCF-style (leftmost placement, unchanged base first): chr2-159439081-A-ATCT. GRCh37 (hg19) VCF-style: chr2-160295592-A-ATCT.
Other names: c.810AGA[5], p.Glu273_Asp274insGlu (NM_001289975.1); c.627AGA[5], p.Glu212_Asp213insGlu (NM_001329857.2); c.816AGA[5], p.Glu275_Asp276insGlu (NM_001329858.2); c.819_821dupAGA (NM_001289975.1).
Identifiers: ClinVar variation 3045937 (VCV003045937.2), dbSNP rs564292204, ClinGen allele CA1925043.